The following is an entry in ClinVar:

NM_020964.3(EPG5):c.4727G>A (p.Arg1576His)

Gene: EPG5 (ectopic P-granules 5 autophagy tethering factor; minus strand). Cytogenetic location: 18q12.3.
Variant type: single nucleotide variant.
Coding change: c.4727G>A on transcript NM_020964.3 (MANE Select); coding-DNA position 4727, G replaced by A.
Protein change: p.Arg1576His; replaces arginine 1576 with histidine.
Molecular consequence: missense variant.
Genome position (GRCh38, 1-based): chr18:45,899,486, C>T on the plus strand (G>A on the coding strand, the complement: EPG5 is on the minus strand). VCF-style: chr18-45899486-C-T. GRCh37 (hg19) VCF-style: chr18-43479451-C-T.
Other names: c.4727G>A, p.Arg1576His (NM_001410858.1, NM_001410859.1); short protein forms R1576H.
Identifiers: ClinVar variation 2146572 (VCV002146572.1), dbSNP rs368539419, ClinGen allele CA8948766.
Genomic context (GRCh38, chr18:45,899,486, plus strand): 5'-CCTTGGCATTTCTTACCGCTGCTGCCTCTGCACTCCAAATGTAGTGTGGTCTGTTCTTCA[C>T]GATTCACATACTGCTTTGGCATTGTGTCTAACAGCTCACCATCCAGAGCAACCTGCTGAG-3'
Protein context (NP_066015.2, residues 1566-1586): LDTMPKQYVN[Arg1576His]EEQTTLHLEC

ClinVar aggregate classification (germline): Uncertain significance (1 of 4 stars; one submission).

Conditions:
Vici syndrome (VICIS). Identifiers: Orphanet 1493, MedGen C1855772, MONDO:0009452, OMIM 242840.

Allele frequency attached by ClinVar (database versions not stated): ExAC 0.00001; gnomAD 0.00001; gnomAD exomes 0.00001; TOPMed 0.00002; ESP Exome Variant Server 0.00008.
gnomAD v4.1: 15 of 1,614,058 alleles (0.00093%); highest among the groups gnomAD compares: Admixed American, 0.012%; no homozygotes.

Submission:

Labcorp Genetics (formerly Invitae), Labcorp
Classification: Uncertain significance for Vici syndrome. Last evaluated: 2022-05-30. Review status: criteria provided, single submitter. Criteria: Invitae Variant Classification Sherloc (09022015). Collection method: clinical testing. Allele origin: germline.
Comment: This sequence change replaces arginine, which is basic and polar, with histidine, which is basic and polar, at codon 1576 of the EPG5 protein (p.Arg1576His). This variant is present in population databases (rs368539419, gnomAD 0.009%). This variant has not been reported in the literature in individuals affected with EPG5-related conditions. Algorithms developed to predict the effect of missense changes on protein structure and function are either unavailable or do not agree on the potential impact of this missense change (SIFT: "Tolerated"; PolyPhen-2: "Probably Damaging"; Align-GVGD: "Class C0"). In summary, the available evidence is currently insufficient to determine the role of this variant in disease. Therefore, it has been classified as a Variant of Uncertain Significance.